The following is an entry in ClinVar:

ClinVar aggregate classification (germline): Conflicting classifications of pathogenicity. Review status: criteria provided, conflicting classifications (1 of 4 stars). 6 submissions from 6 submitters: Uncertain significance (2); Likely benign (4). Last evaluated 2026-06-25.

Conditions:
Tuberous sclerosis 2 (TSC2). Identifiers: Orphanet 805, MedGen C1860707, MONDO:0013199, OMIM 613254.
Hereditary cancer-predisposing syndrome. Also called: Hereditary Cancer Syndrome; Tumor predisposition; Hereditary neoplastic syndrome; Neoplastic Syndromes, Hereditary. Identifiers: Orphanet 140162, MedGen C0027672, MeSH D009386, MONDO:0015356.

Allele frequency attached by ClinVar (database versions not stated): gnomAD exomes 0.00001 and below 0.00001; TOPMed 0.00001; gnomAD 0.00001.
gnomAD v4.1: 5 of 1,612,580 alleles (0.00031%); highest among the groups gnomAD compares: African/African-American, 0.0053%; no homozygotes.

Submissions (6):

Ambry Genetics
Classification: Likely benign for Hereditary cancer-predisposing syndrome. Last evaluated: 2026-06-25. Review status: criteria provided, single submitter. Criteria: Ambry Variant Classification Scheme 2023. Collection method: clinical testing. Allele origin: germline.

Labcorp Genetics (formerly Invitae), Labcorp
Classification: Uncertain significance for Tuberous sclerosis 2. Last evaluated: 2025-11-19. Review status: criteria provided, single submitter. Criteria: Invitae Variant Classification Sherloc (09022015). Collection method: clinical testing. Allele origin: germline.
Comment: This sequence change falls in intron 35 of the TSC2 gene. It does not directly change the encoded amino acid sequence of the TSC2 protein. It affects a nucleotide within the consensus splice site. This variant is present in population databases (no rsID available, gnomAD 0.02%). This variant has not been reported in the literature in individuals affected with TSC2-related conditions. ClinVar contains an entry for this variant (Variation ID: 515115). Variants that disrupt the consensus splice site are a relatively common cause of aberrant splicing (PMID: 17576681, 9536098). Algorithms developed to predict the effect of sequence changes on RNA splicing suggest that this variant is not likely to affect RNA splicing. In summary, the available evidence is currently insufficient to determine the role of this variant in disease. Therefore, it has been classified as a Variant of Uncertain Significance.

Genomic Medicine Center of Excellence, King Faisal Specialist Hospital and Research Centre
Classification: Uncertain significance for Tuberous sclerosis 2. Last evaluated: 2025-09-10. Review status: criteria provided, single submitter. Criteria: ACMG Guidelines, 2015. Collection method: clinical testing. Allele origin: germline.

Myriad Genetics, Inc.
Classification: Likely benign for Tuberous sclerosis 2. Last evaluated: 2024-08-23. Review status: criteria provided, single submitter. Criteria: Myriad Autosomal Dominant, Autosomal Recessive and X-Linked Classification Criteria (2023). Collection method: clinical testing. Allele origin: unknown.
Comment: This variant is considered likely benign. This variant is intronic and is not expected to impact mRNA splicing. This variant has been observed at a population frequency that is significantly greater than expected given the associated disease prevalence and penetrance.

Genome-Nilou Lab
Classification: Likely benign for Tuberous sclerosis 2. Last evaluated: 2021-11-07. Review status: criteria provided, single submitter. Criteria: ACMG Guidelines, 2015. Collection method: clinical testing. Allele origin: germline. Affected: no.

GeneDx
Classification: Likely benign. Last evaluated: 2018-01-29. Review status: criteria provided, single submitter. Criteria: GeneDx Variant Classification (06012015). Collection method: clinical testing. Allele origin: germline. Affected: yes.
Comment: This variant is considered likely benign or benign based on one or more of the following criteria: it is a conservative change, it occurs at a poorly conserved position in the protein, it is predicted to be benign by multiple in silico algorithms, and/or has population frequency not consistent with disease.

Literature cited by the submitters: PubMed 17576681 (cited by Labcorp Genetics (formerly Invitae), Labcorp); PubMed 9536098 (cited by Labcorp Genetics (formerly Invitae), Labcorp).

NM_000548.5(TSC2):c.4570-3C>T

Gene: TSC2 (TSC complex subunit 2; plus strand). Cytogenetic location: 16p13.3.
Variant type: single nucleotide variant.
Coding change: c.4570-3C>T on transcript NM_000548.5 (MANE Select); 3 bases into the intron before coding-DNA position 4570, C replaced by T.
Molecular consequence: intron variant.
Genome position (GRCh38, 1-based): chr16:2,085,227, C>T. VCF-style: chr16-2085227-C-T. GRCh37 (hg19) VCF-style: chr16-2135228-C-T.
Other names: c.4501-3C>T (NM_001114382.3); c.4441-3C>T (NM_021055.3, NM_001370405.1); c.4372-3C>T (NM_001363528.2); c.4438-3C>T (NM_001370404.1); c.4369-3C>T (NM_001077183.3); c.4261-3C>T (NM_001318827.2); c.3838-3C>T (NM_001318831.2); c.4225-3C>T (NM_001318829.2); and 1 more.
Identifiers: ClinVar variation 515115 (VCV000515115.17), dbSNP rs1166715944, ClinGen allele CA620379499.
Genomic context (GRCh38, chr16:2,085,227, plus strand): 5'-CTGGGTGGGGCGGCCTCCTGTGGACGGGCGTCTGGGGCTCAGGCAGGGCTCTGTGTGCCA[C>T]AGTCACAGTCCTTTGAGCGGTCGGTGCAGCTCCTCGACCAGATCCCATCATACGACACCC-3'